The following is an entry in ClinVar:

ClinVar aggregate classification (germline): Likely benign (1 of 4 stars; one submission).

Conditions:
ADCY3-related disorder. Also called: ADCY3-related condition.

gnomAD v4.1: 28 of 1,614,066 alleles (0.0017%); highest among the groups gnomAD compares: African/African-American, 0.032%; no homozygotes.

Submission:

PreventionGenetics, part of Exact Sciences
Classification: Likely benign for ADCY3-related condition. Last evaluated: 2025-02-13. Review status: criteria provided, single submitter. Criteria: ACMG Guidelines, 2015. Collection method: clinical testing. Allele origin: germline.
Comment: This variant is classified as likely benign based on ACMG/AMP sequence variant interpretation guidelines (Richards et al. 2015 PMID: 25741868, with internal and published modifications).

NM_004036.5(ADCY3):c.1440T>C (p.Asp480=)

Gene: ADCY3 (adenylate cyclase 3; minus strand). Cytogenetic location: 2p23.3.
Variant type: single nucleotide variant.
Coding change: c.1440T>C on transcript NM_004036.5 (MANE Select); coding-DNA position 1440, T replaced by C.
Protein change: p.Asp480=; no amino-acid change (aspartic acid 480 retained).
Molecular consequence: synonymous variant.
Genome position (GRCh38, 1-based): chr2:24,838,538, A>G on the plus strand (T>C on the coding strand, the complement: ADCY3 is on the minus strand). VCF-style: chr2-24838538-A-G. GRCh37 (hg19) VCF-style: chr2-25061407-A-G.
Other names: c.1440T>C, p.Asp480= (NM_001320613.2, NM_001377129.1, NM_001377130.1 and 1 more transcripts); c.1506T>C, p.Asp502= (NM_001377128.1); c.717T>C, p.Asp239= (NM_001377131.1).
Identifiers: ClinVar variation 4980916 (VCV004980916.1).
Genomic context (GRCh38, chr2:24,838,538, plus strand): 5'-CTTCACCTCTGGCTTGGAGGCAATGATGAGGTAGGTTTCAATACCCTTCTCTTCTAGGTA[A>G]TCACAGCGGCTGCCCCCATCGCCTGGCTCCACATCAAACTCCCCTTTCAGGCAGTCCATG-3'
Protein context (NP_004027.2, residues 470-490): VEPGDGGSRC[Asp480=]YLEEKGIETY